The following is an entry in ClinVar:

ClinVar aggregate classification (germline): Uncertain significance (1 of 4 stars; one submission).

gnomAD v4.1: 1 of 1,609,626 alleles (0.000062%); no homozygotes.

Submission:

Labcorp Genetics (formerly Invitae), Labcorp
Classification: Uncertain significance. Last evaluated: 2025-12-01. Review status: criteria provided, single submitter. Criteria: Invitae Variant Classification Sherloc (09022015). Collection method: clinical testing. Allele origin: germline.
Comment: This sequence change replaces serine, which is neutral and polar, with proline, which is neutral and non-polar, at codon 142 of the GHR protein (p.Ser142Pro). This variant is not present in population databases (gnomAD no frequency). This variant has not been reported in the literature in individuals affected with GHR-related conditions. Invitae Evidence Modeling of protein sequence and biophysical properties (such as structural, functional, and spatial information, amino acid conservation, physicochemical variation, residue mobility, and thermodynamic stability) indicates that this missense variant is not expected to disrupt GHR protein function with a negative predictive value of 95%. In summary, the available evidence is currently insufficient to determine the role of this variant in disease. Therefore, it has been classified as a Variant of Uncertain Significance.

NM_000163.5(GHR):c.424T>C (p.Ser142Pro)

Gene: GHR (growth hormone receptor; plus strand). Cytogenetic location: 5p12.
Variant type: single nucleotide variant.
Coding change: c.424T>C on transcript NM_000163.5 (MANE Select); coding-DNA position 424, T replaced by C.
Protein change: p.Ser142Pro; replaces serine 142 with proline.
Molecular consequence: missense variant.
Genome position (GRCh38, 1-based): chr5:42,695,074, T>C. VCF-style: chr5-42695074-T-C. GRCh37 (hg19) VCF-style: chr5-42695176-T-C.
Other names: c.445T>C, p.Ser149Pro (NM_001242399.2); c.424T>C, p.Ser142Pro (NM_001242400.2, NM_001242401.4, NM_001242402.2 and 5 more transcripts); c.358T>C, p.Ser120Pro (NM_001242460.2); short protein forms S149P, S142P, S120P.
Identifiers: ClinVar variation 4748597 (VCV004748597.1).